The following is an entry in ClinVar:

ClinVar aggregate classification (germline): Pathogenic/Likely pathogenic. Review status: criteria provided, multiple submitters, no conflicts (2 of 4 stars). 2 submissions from 2 submitters: Pathogenic (1); Likely pathogenic (1). Last evaluated 2025-07-22.

Conditions:
Multiple sulfatase deficiency (MSD). Also called: Mucosulfatidosis; Multiple Sulfatase Deficiency Disease; Sulfatidosis, Juvenile, Austin Type. Identifiers: Orphanet 585, MedGen C0268263, MONDO:0010088, OMIM 272200.

gnomAD v4.1: 2 of 1,613,932 alleles (0.00012%); highest among the groups gnomAD compares: Non-Finnish European, 0.00017%; no homozygotes.

Submissions (2):

Myriad Genetics, Inc.
Classification: Pathogenic for Multiple sulfatase deficiency. Last evaluated: 2025-07-22. Review status: criteria provided, single submitter. Criteria: Myriad Autosomal Dominant, Autosomal Recessive and X-Linked Classification Criteria (2023). Collection method: clinical testing. Allele origin: unknown.
Comment: NM_182760.3(SUMF1):c.940G>T(E314*) is a nonsense variant classified as pathogenic in the context of multiple sulfatase deficiency. E314* has not been observed in cases with relevant disease. Relevant functional assessments of this variant are not available in the literature. E314* has not been observed in referenced population frequency databases. In summary, NM_182760.3(SUMF1):c.940G>T(E314*) is a nonsense variant in a gene where loss of function is a known mechanism of disease and is predicted to disrupt protein function. Please note: this variant was assessed in the context of healthy population screening.

Fulgent Genetics
Classification: Likely pathogenic for Multiple sulfatase deficiency. Last evaluated: 2024-02-28. Review status: criteria provided, single submitter. Criteria: ACMG Guidelines, 2015. Collection method: clinical testing. Allele origin: germline.

NM_182760.4(SUMF1):c.940G>T (p.Glu314Ter)

Gene: SUMF1 (sulfatase modifying factor 1; minus strand). Cytogenetic location: 3p26.1.
Variant type: single nucleotide variant.
Coding change: c.940G>T on transcript NM_182760.4 (MANE Select); coding-DNA position 940, G replaced by T.
Protein change: p.Glu314Ter; replaces glutamic acid 314 with a stop codon.
Molecular consequence: nonsense.
Genome position (GRCh38, 1-based): chr3:4,410,879, C>A on the plus strand (G>T on the coding strand, the complement: SUMF1 is on the minus strand). VCF-style: chr3-4410879-C-A. GRCh37 (hg19) VCF-style: chr3-4452563-C-A.
Other names: c.865G>T, p.Glu289Ter (NM_001164674.2); c.940G>T, p.Glu314Ter (NM_001164675.2); short protein forms E314*, E289*.
Identifiers: ClinVar variation 3589166 (VCV003589166.2).